The following is an entry in ClinVar:

NM_021969.3(NR0B2):c.533-4A>G

Genes: NR0B2 (nuclear receptor subfamily 0 group B member 2; minus strand), NUDC (nuclear distribution C, dynein complex regulator; plus strand). Cytogenetic location: 1p36.11.
Variant type: single nucleotide variant.
Coding change: c.533-4A>G on transcript NM_021969.3 (MANE Select); 4 bases into the intron before coding-DNA position 533, A replaced by G.
Molecular consequence: intron variant.
Genome position (GRCh38, 1-based): chr1:26,912,090, T>C on the plus strand (A>G on the coding strand, the complement: NR0B2 is on the minus strand). VCF-style: chr1-26912090-T-C. GRCh37 (hg19) VCF-style: chr1-27238581-T-C.
Identifiers: ClinVar variation 3356421 (VCV003356421.1).

ClinVar aggregate classification (germline): Likely benign (0 of 4 stars; one submission).

Conditions:
NR0B2-related disorder. Also called: NR0B2-related condition.

gnomAD v4.1: 5 of 1,613,230 alleles (0.00031%); highest among the groups gnomAD compares: African/African-American, 0.0067%; no homozygotes.

Submission:

PreventionGenetics, part of Exact Sciences
Classification: Likely benign for NR0B2-related condition. Last evaluated: 2023-02-27. Review status: no assertion criteria provided. Collection method: clinical testing. Allele origin: germline.
Comment: This variant is classified as likely benign based on ACMG/AMP sequence variant interpretation guidelines (Richards et al. 2015 PMID: 25741868, with internal and published modifications).